The following is an entry in ClinVar:

ClinVar aggregate classification (germline): Uncertain significance (1 of 4 stars; one submission).

Submission:

GeneDx
Classification: Uncertain significance. Last evaluated: 2023-05-06. Review status: criteria provided, single submitter. Criteria: GeneDx Variant Classification Process June 2021. Collection method: clinical testing. Allele origin: germline. Affected: yes.
Comment: Not observed at significant frequency in large population cohorts (gnomAD); In silico analysis supports that this missense variant does not alter protein structure/function; Has not been previously published as pathogenic or benign to our knowledge

NM_005445.4(SMC3):c.665C>G (p.Ala222Gly)

Gene: SMC3 (structural maintenance of chromosomes 3; plus strand). Cytogenetic location: 10q25.2.
Variant type: single nucleotide variant.
Coding change: c.665C>G on transcript NM_005445.4 (MANE Select); coding-DNA position 665, C replaced by G.
Protein change: p.Ala222Gly; replaces alanine 222 with glycine.
Molecular consequence: missense variant.
Genome position (GRCh38, 1-based): chr10:110,582,040, C>G. VCF-style: chr10-110582040-C-G. GRCh37 (hg19) VCF-style: chr10-112341798-C-G.
Other names: short protein forms A222G.
Identifiers: ClinVar variation 2663211 (VCV002663211.1), dbSNP rs2493113337, ClinGen allele CA378377183.